The following is an entry in ClinVar:

ClinVar aggregate classification (germline): Benign/Likely benign. Review status: criteria provided, multiple submitters, no conflicts (2 of 4 stars). 9 submissions from 9 submitters: Benign (6); Likely benign (3). Last evaluated 2026-02-02.

Conditions:
Hereditary cancer-predisposing syndrome. Also called: Tumor predisposition; Neoplastic Syndromes, Hereditary; Hereditary neoplastic syndrome; Hereditary Cancer Syndrome. Identifiers: Orphanet 140162, MedGen C0027672, MeSH D009386, MONDO:0015356.
Tuberous sclerosis syndrome (TSC). Also called: Tuberous sclerosis; Tuberous Sclerosis Complex. Identifiers: Orphanet 805, MedGen C0041341, MONDO:0001734.
Tuberous sclerosis 1 (TSC1). Identifiers: Orphanet 805, MedGen C1854465, MONDO:0008612, OMIM 191100.

Allele frequency attached by ClinVar (database versions not stated): 1000 Genomes Project 30x 0.00016; 1000 Genomes Project 0.00020; TOPMed 0.00023; ESP Exome Variant Server 0.00046.
gnomAD v4.1: 43 of 1,614,154 alleles (0.0027%); highest among the groups gnomAD compares: African/African-American, 0.056%; no homozygotes.

Submissions (9):

Labcorp Genetics (formerly Invitae), Labcorp
Classification: Benign for Tuberous sclerosis 1. Last evaluated: 2026-02-02. Review status: criteria provided, single submitter. Criteria: Invitae Variant Classification Sherloc (09022015). Collection method: clinical testing. Allele origin: germline.

Myriad Genetics, Inc.
Classification: Benign for Tuberous sclerosis 1. Last evaluated: 2025-04-07. Review status: criteria provided, single submitter. Criteria: Myriad Autosomal Dominant, Autosomal Recessive and X-Linked Classification Criteria (2023). Collection method: clinical testing. Allele origin: unknown.
Comment: This variant is considered benign. This variant is a silent/synonymous amino acid change and it is not expected to impact splicing.

All of Us Research Program, National Institutes of Health
Classification: Benign for Tuberous sclerosis syndrome. Last evaluated: 2024-02-05. Review status: criteria provided, single submitter. Criteria: ACMG Guidelines, 2015. Collection method: clinical testing. Allele origin: germline. Inheritance: Autosomal dominant inheritance. Observed: 8 variant alleles, 8 heterozygotes.
Comment: This study involves interpretation of variants in research participants for the purpose of population health screening. Participant phenotype was not available at the time of variant classification. Additional details can be found in publication PMID: 35346344, PMCID: PMC8962531

Blueprint Genetics
Classification: Likely benign. Last evaluated: 2023-05-09. Review status: criteria provided, single submitter. Criteria: ACMG Guidelines, 2015. Collection method: clinical testing. Allele origin: germline.

Color Diagnostics, LLC DBA Color Health
Classification: Benign for Tuberous sclerosis syndrome. Last evaluated: 2022-05-13. Review status: criteria provided, single submitter. Criteria: ACMG Guidelines, 2015. Collection method: clinical testing. Allele origin: germline.

Genome-Nilou Lab
Classification: Benign for Tuberous sclerosis 1. Last evaluated: 2021-11-07. Review status: criteria provided, single submitter. Criteria: ACMG Guidelines, 2015. Collection method: clinical testing. Allele origin: germline. Affected: no.

Sema4
Classification: Benign for Hereditary cancer-predisposing syndrome. Last evaluated: 2021-02-18. Review status: criteria provided, single submitter. Criteria: Sema4 Curation Guidelines. Collection method: curation. Allele origin: germline.

GeneDx
Classification: Likely benign. Last evaluated: 2016-01-15. Review status: criteria provided, single submitter. Criteria: GeneDx Variant Classification (06012015). Collection method: clinical testing. Allele origin: germline. Affected: yes.
Comment: This variant is considered likely benign or benign based on one or more of the following criteria: it is a conservative change, it occurs at a poorly conserved position in the protein, it is predicted to be benign by multiple in silico algorithms, and/or has population frequency not consistent with disease.

Ambry Genetics
Classification: Likely benign for Hereditary cancer-predisposing syndrome. Last evaluated: 2015-11-19. Review status: criteria provided, single submitter. Criteria: Ambry Variant Classification Scheme 2023. Collection method: clinical testing. Allele origin: germline.

Literature cited by the submitters: PubMed 26563443 (cited by Ambry Genetics).

NM_000368.5(TSC1):c.21C>G (p.Val7=)

Gene: TSC1 (TSC complex subunit 1; minus strand). Cytogenetic location: 9q34.13.
Variant type: single nucleotide variant.
Coding change: c.21C>G on transcript NM_000368.5 (MANE Select); coding-DNA position 21, C replaced by G.
Protein change: p.Val7=; no amino-acid change (valine 7 retained).
Molecular consequence: synonymous variant. On other transcripts: 5 prime UTR variant (1).
Genome position (GRCh38, 1-based): chr9:132,928,852, G>C on the plus strand (C>G on the coding strand, the complement: TSC1 is on the minus strand). VCF-style: chr9-132928852-G-C. GRCh37 (hg19) VCF-style: chr9-135804239-G-C.
Other names: c.21C>G, p.Val7= (NM_001162426.2, NM_001162427.2); c.-239C>G (NM_001362177.2).
Identifiers: ClinVar variation 382878 (VCV000382878.23), dbSNP rs145987906, ClinGen allele CA031681.